The following is an entry in ClinVar:

ClinVar aggregate classification (germline): Pathogenic/Likely pathogenic. Review status: criteria provided, multiple submitters, no conflicts (2 of 4 stars). 2 submissions from 2 submitters: Pathogenic (1); Likely pathogenic (1). Last evaluated 2024-04-24.

Conditions:
VPS13A-related neurodegenerative disease. Also called: LEVINE-CRITCHLEY SYNDROME; Choreoacanthocytosis; Chorea-acanthocytosis; VPS13A Disease; ACANTHOCYTOSIS WITH NEUROLOGIC DISORDER; Choreaacanthocytosis. Identifiers: Orphanet 2388, MedGen C0393576, MONDO:0008695, OMIM 200150.

Allele frequency attached by ClinVar (database versions not stated): gnomAD exomes below 0.00001.
gnomAD v4.1: 1 of 1,602,764 alleles (0.000062%); highest among the groups gnomAD compares: Non-Finnish European, 0.000085%; no homozygotes.

Submissions (2):

Fulgent Genetics
Classification: Likely pathogenic for VPS13A-related neurodegenerative disease. Last evaluated: 2024-04-24. Review status: criteria provided, single submitter. Criteria: ACMG Guidelines, 2015. Collection method: clinical testing. Allele origin: germline.

Labcorp Genetics (formerly Invitae), Labcorp
Classification: Pathogenic. Last evaluated: 2023-04-11. Review status: criteria provided, single submitter. Criteria: Invitae Variant Classification Sherloc (09022015). Collection method: clinical testing. Allele origin: germline.
Comment: For these reasons, this variant has been classified as Pathogenic. This variant has not been reported in the literature in individuals affected with VPS13A-related conditions. This variant is not present in population databases (gnomAD no frequency). This sequence change creates a premature translational stop signal (p.Gln1634*) in the VPS13A gene. It is expected to result in an absent or disrupted protein product. Loss-of-function variants in VPS13A are known to be pathogenic (PMID: 12404112, 21598378).

Literature cited by the submitters: PubMed 12404112 (cited by Labcorp Genetics (formerly Invitae), Labcorp); PubMed 21598378 (cited by Labcorp Genetics (formerly Invitae), Labcorp).

NM_033305.3(VPS13A):c.4900C>T (p.Gln1634Ter)

Gene: VPS13A (vacuolar protein sorting 13 homolog A; plus strand). Cytogenetic location: 9q21.2.
Variant type: single nucleotide variant.
Coding change: c.4900C>T on transcript NM_033305.3 (MANE Select); coding-DNA position 4900, C replaced by T.
Protein change: p.Gln1634Ter; replaces glutamine 1634 with a stop codon.
Molecular consequence: nonsense.
Genome position (GRCh38, 1-based): chr9:77,317,642, C>T. VCF-style: chr9-77317642-C-T. GRCh37 (hg19) VCF-style: chr9-79932558-C-T.
Other names: c.4783C>T, p.Gln1595Ter (NM_001018037.2); c.4900C>T, p.Gln1634Ter (NM_001018038.3, NM_015186.4); short protein forms Q1595*, Q1634*.
Identifiers: ClinVar variation 2821467 (VCV002821467.4), dbSNP rs2537991917, ClinGen allele CA373858383.